The following is an entry in ClinVar:

NM_177965.4(CFAP418):c.211C>T (p.Leu71Phe)

Gene: CFAP418 (cilia and flagella associated protein 418; minus strand). Cytogenetic location: 8q22.1.
Variant type: single nucleotide variant.
Coding change: c.211C>T on transcript NM_177965.4 (MANE Select); coding-DNA position 211, C replaced by T.
Protein change: p.Leu71Phe; replaces leucine 71 with phenylalanine.
Molecular consequence: missense variant.
Genome position (GRCh38, 1-based): chr8:95,263,719, G>A on the plus strand (C>T on the coding strand, the complement: CFAP418 is on the minus strand). VCF-style: chr8-95263719-G-A. GRCh37 (hg19) VCF-style: chr8-96275947-G-A.
Other names: c.211C>T, p.Leu71Phe (NM_001363260.1); short protein forms L71F.
Identifiers: ClinVar variation 967954 (VCV000967954.8), dbSNP rs145542989, ClinGen allele CA4815224.

ClinVar aggregate classification (germline): Uncertain significance. Review status: criteria provided, multiple submitters, no conflicts (2 of 4 stars). 2 submissions from 2 submitters: Uncertain significance (2). Last evaluated 2023-10-01.

Conditions:
Retinal dystrophy. Also called: Inherited retinal dystrophy. Identifiers: Orphanet 71862, MedGen C0854723, MeSH D058499, MONDO:0019118, HP:0000556.

Allele frequency attached by ClinVar (database versions not stated): gnomAD exomes below 0.00001 and 0.00001; ExAC 0.00003; gnomAD 0.00005; TOPMed 0.00005; ESP Exome Variant Server 0.00015.

Submissions (2):

Dept Of Ophthalmology, Nagoya University
Classification: Uncertain significance for Retinal dystrophy. Last evaluated: 2023-10-01. Review status: criteria provided, single submitter. Criteria: Submitter's publication. Collection method: research. Allele origin: germline. Affected: yes.

Labcorp Genetics (formerly Invitae), Labcorp
Classification: Uncertain significance. Last evaluated: 2022-01-12. Review status: criteria provided, single submitter. Criteria: Invitae Variant Classification Sherloc (09022015). Collection method: clinical testing. Allele origin: germline.
Comment: This sequence change replaces leucine, which is neutral and non-polar, with phenylalanine, which is neutral and non-polar, at codon 71 of the C8orf37 protein (p.Leu71Phe). This variant is present in population databases (rs145542989, gnomAD 0.02%). In summary, the available evidence is currently insufficient to determine the role of this variant in disease. Therefore, it has been classified as a Variant of Uncertain Significance. Algorithms developed to predict the effect of missense changes on protein structure and function output the following: SIFT: "Tolerated"; PolyPhen-2: "Benign"; Align-GVGD: "Class C0". The phenylalanine amino acid residue is found in multiple mammalian species, which suggests that this missense change does not adversely affect protein function. ClinVar contains an entry for this variant (Variation ID: 967954). This variant has not been reported in the literature in individuals affected with C8orf37-related conditions.